The following is an entry in ClinVar:

NM_001366661.1(CLUH):c.1890C>T (p.Gly630=)

Gene: CLUH (CLUH binding protein of NUMT mRNA; minus strand). Cytogenetic location: 17p13.3.
Variant type: single nucleotide variant.
Coding change: c.1890C>T on transcript NM_001366661.1 (MANE Select); coding-DNA position 1890, C replaced by T.
Protein change: p.Gly630=; no amino-acid change (glycine 630 retained).
Molecular consequence: synonymous variant.
Genome position (GRCh38, 1-based): chr17:2,697,967, G>A on the plus strand (C>T on the coding strand, the complement: CLUH is on the minus strand). VCF-style: chr17-2697967-G-A. GRCh37 (hg19) VCF-style: chr17-2601261-G-A.
Other names: c.1776C>T, p.Gly592= (NM_001366662.1); c.1890C>T, p.Gly630= (NM_015229.4).
Identifiers: ClinVar variation 2647225 (VCV002647225.24), dbSNP rs375907694, ClinGen allele CA8284444.

ClinVar aggregate classification (germline): Likely benign (1 of 4 stars; one submission).

Allele frequency attached by ClinVar (database versions not stated): ESP Exome Variant Server 0.00008; gnomAD 0.00017; TOPMed 0.00017; ExAC 0.00021.
gnomAD v4.1: 221 of 1,573,580 alleles (0.014%); highest among the groups gnomAD compares: Middle Eastern, 0.26%; no homozygotes.

Submission:

CeGaT Center for Human Genetics Tuebingen
Classification: Likely benign. Last evaluated: 2023-03-01. Review status: criteria provided, single submitter. Criteria: CeGaT Center For Human Genetics Tuebingen Variant Classification Criteria Version 2. Collection method: clinical testing. Allele origin: germline. Affected: yes. Observed: 1 variant allele.
Comment: CLUH: BP4, BP7